The following is an entry in ClinVar:

NM_002591.4(PCK1):c.294G>A (p.Glu98=)

Gene: PCK1 (phosphoenolpyruvate carboxykinase 1; plus strand). Cytogenetic location: 20q13.31.
Variant type: single nucleotide variant.
Coding change: c.294G>A on transcript NM_002591.4 (MANE Select); coding-DNA position 294, G replaced by A.
Protein change: p.Glu98=; no amino-acid change (glutamic acid 98 retained).
Molecular consequence: synonymous variant.
Genome position (GRCh38, 1-based): chr20:57,562,140, G>A. VCF-style: chr20-57562140-G-A. GRCh37 (hg19) VCF-style: chr20-56137196-G-A.
Identifiers: ClinVar variation 2652427 (VCV002652427.24), dbSNP rs761353808, ClinGen allele CA9921958.

ClinVar aggregate classification (germline): Likely benign (1 of 4 stars; one submission).

Allele frequency attached by ClinVar (database versions not stated): ExAC 0.00002; gnomAD exomes 0.00003; TOPMed 0.00005; gnomAD 0.00007.
gnomAD v4.1: 51 of 1,614,132 alleles (0.0032%); highest among the groups gnomAD compares: Middle Eastern, 0.049%; no homozygotes.

Submission:

CeGaT Center for Human Genetics Tuebingen
Classification: Likely benign. Last evaluated: 2022-05-01. Review status: criteria provided, single submitter. Criteria: CeGaT Center For Human Genetics Tuebingen Variant Classification Criteria Version 2. Collection method: clinical testing. Allele origin: germline. Affected: yes. Observed: 1 variant allele.
Comment: PCK1: BP4, BP7